The following is an entry in ClinVar:

NM_004415.4(DSP):c.2298-2A>C

Gene: DSP (desmoplakin; plus strand). Cytogenetic location: 6p24.3.
Variant type: single nucleotide variant.
Coding change: c.2298-2A>C on transcript NM_004415.4 (MANE Select); the canonical splice acceptor site of the intron before coding-DNA position 2298, A replaced by C.
Molecular consequence: splice acceptor variant.
Genome position (GRCh38, 1-based): chr6:7,574,655, A>C. VCF-style: chr6-7574655-A-C. GRCh37 (hg19) VCF-style: chr6-7574888-A-C.
Other names: c.2298-2A>C (NM_001319034.2, NM_001008844.3).
Identifiers: ClinVar variation 849751 (VCV000849751.9), dbSNP rs1759176299, ClinGen allele CA362681010.

ClinVar aggregate classification (germline): Pathogenic/Likely pathogenic. Review status: criteria provided, multiple submitters, no conflicts (2 of 4 stars). 2 submissions from 2 submitters: Pathogenic (1); Likely pathogenic (1). Last evaluated 2024-03-26.

Conditions:
Arrhythmogenic right ventricular dysplasia 8 (ARVD8). Also called: ARRHYTHMOGENIC RIGHT VENTRICULAR DYSPLASIA, FAMILIAL, 8; ARRHYTHMOGENIC RIGHT VENTRICULAR CARDIOMYOPATHY 8; Arrhythmogenic Right Ventricular Dysplasia/Cardiomyopathy 8. Identifiers: MedGen C1843896, MONDO:0011831, OMIM 607450.
Arrhythmogenic cardiomyopathy with wooly hair and keratoderma. Also called: Carvajal syndrome; Dilated cardiomyopathy with woolly hair and keratoderma; PALMOPLANTAR KERATODERMA WITH LEFT VENTRICULAR CARDIOMYOPATHY AND WOOLLY HAIR; Arrhythmogenic cardiomyopathy with woolly hair and keratoderma. Identifiers: Orphanet 65282, MedGen C1854063, MONDO:0011581, OMIM 605676.

Submissions (2):

Genomic Medicine Center of Excellence, King Faisal Specialist Hospital and Research Centre
Classification: Pathogenic for Arrhythmogenic cardiomyopathy with wooly hair and keratoderma. Last evaluated: 2024-03-26. Review status: criteria provided, single submitter. Criteria: ACMG Guidelines, 2015. Collection method: clinical testing. Allele origin: germline.

Labcorp Genetics (formerly Invitae), Labcorp
Classification: Likely pathogenic for Arrhythmogenic cardiomyopathy with wooly hair and keratoderma; Arrhythmogenic right ventricular dysplasia 8. Last evaluated: 2021-09-24. Review status: criteria provided, single submitter. Criteria: Invitae Variant Classification Sherloc (09022015). Collection method: clinical testing. Allele origin: germline.
Comment: In summary, the currently available evidence indicates that the variant is pathogenic, but additional data are needed to prove that conclusively. Therefore, this variant has been classified as Likely Pathogenic. This sequence change affects an acceptor splice site in intron 16 of the DSP gene. It is expected to disrupt RNA splicing and likely results in an absent or disrupted protein product. This variant is not present in population databases (ExAC no frequency). This variant has not been reported in the literature in individuals with DSP-related conditions. Algorithms developed to predict the effect of sequence changes on RNA splicing suggest that this variant may disrupt the consensus splice site, but this prediction has not been confirmed by published transcriptional studies. Donor and acceptor splice site variants typically lead to a loss of protein function (PMID: 16199547), and loss-of-function variants in DSP are known to be pathogenic (PMID: 20716751, 24503780, 25227139).

Literature cited by the submitters: PubMed 16199547 (cited by Labcorp Genetics (formerly Invitae), Labcorp); PubMed 20716751 (cited by Labcorp Genetics (formerly Invitae), Labcorp); PubMed 24503780 (cited by Labcorp Genetics (formerly Invitae), Labcorp); PubMed 25227139 (cited by Labcorp Genetics (formerly Invitae), Labcorp).